The following is an entry in ClinVar:

ClinVar aggregate classification (germline): Pathogenic/Likely pathogenic. Review status: criteria provided, multiple submitters, no conflicts (2 of 4 stars). 2 submissions from 2 submitters: Pathogenic (1); Likely pathogenic (1). Last evaluated 2025-10-27.

Conditions:
Familial cancer of breast. Also called: Hereditary breast cancer; BREAST CANCER, FAMILIAL; hereditary breast carcinoma. Identifiers: Orphanet 227535, MedGen C0346153, MONDO:0016419, OMIM 114480. Disease mechanism: loss of function.

Submissions (2):

Labcorp Genetics (formerly Invitae), Labcorp
Classification: Likely pathogenic for Familial cancer of breast. Last evaluated: 2025-10-27. Review status: criteria provided, single submitter. Criteria: Invitae Variant Classification Sherloc (09022015). Collection method: clinical testing. Allele origin: germline.
Comment: This sequence change creates a premature translational stop signal (p.Leu499Cysfs*14) in the CHEK2 gene. While this is not anticipated to result in nonsense mediated decay, it is expected to disrupt the last 45 amino acid(s) of the CHEK2 protein. This variant is not present in population databases (gnomAD no frequency). This variant has not been reported in the literature in individuals affected with CHEK2-related conditions. ClinVar contains an entry for this variant (Variation ID: 2583505). This variant disrupts the nuclear localization signal (NLS) of the CHEK2 protein, which is critical for proper nuclear localization (PMID: 18004398, 12909615). While functional studies have not been performed to directly test the effect of this variant on CHEK2 protein function, this suggests that disruption of this region of the protein is causative of disease. In summary, the currently available evidence indicates that the variant is pathogenic, but additional data are needed to prove that conclusively. Therefore, this variant has been classified as Likely Pathogenic.

Myriad Genetics, Inc.
Classification: Pathogenic for Familial cancer of breast. Last evaluated: 2023-06-29. Review status: criteria provided, single submitter. Criteria: Myriad Autosomal Dominant, Autosomal Recessive and X-Linked Classification Criteria (2023). Collection method: clinical testing. Allele origin: unknown.
Comment: This variant is considered pathogenic. This variant creates a frameshift predicted to result in premature protein truncation.

Literature cited by the submitters: PubMed 18004398 (cited by Labcorp Genetics (formerly Invitae), Labcorp); PubMed 12909615 (cited by Labcorp Genetics (formerly Invitae), Labcorp).

NM_007194.4(CHEK2):c.1495del (p.Leu499fs)

Gene: CHEK2 (checkpoint kinase 2; minus strand). Cytogenetic location: 22q12.1.
Variant type: Deletion.
Coding change: c.1495del on transcript NM_007194.4 (MANE Select); coding-DNA position 1495, one base deleted (C; older notation c.1495delC).
Protein change: p.Leu499fs; shifts the reading frame from leucine 499.
Molecular consequence: frameshift variant.
Genome position (GRCh38, 1-based): chr22:28,689,182, G deleted on the plus strand (C on the coding strand, the reverse complement: CHEK2 is on the minus strand). VCF-style (leftmost placement, unchanged base first): chr22-28689181-AG-A. GRCh37 (hg19) VCF-style: chr22-29085169-AG-A.
Other names: c.1624delC, p.Leu542Cysfs (NM_001005735.3); c.832delC, p.Leu278Cysfs (NM_001257387.3); c.1294delC, p.Leu432Cysfs (NM_001349956.3); c.1408delC, p.Leu470Cysfs (NM_145862.3); short protein forms L278fs, L432fs, L470fs, L499fs, L542fs.
Identifiers: ClinVar variation 2583505 (VCV002583505.3), dbSNP rs2517757835, ClinGen allele CA2582342742.